The following is an entry in ClinVar:

NM_018136.5(ASPM):c.4402G>A (p.Ala1468Thr)

Gene: ASPM (assembly factor for spindle microtubules; minus strand). Cytogenetic location: 1q31.3.
Variant type: single nucleotide variant.
Coding change: c.4402G>A on transcript NM_018136.5 (MANE Select); coding-DNA position 4402, G replaced by A.
Protein change: p.Ala1468Thr; replaces alanine 1468 with threonine.
Molecular consequence: missense variant. On other transcripts: intron variant (1).
Genome position (GRCh38, 1-based): chr1:197,104,849, C>T on the plus strand (G>A on the coding strand, the complement: ASPM is on the minus strand). VCF-style: chr1-197104849-C-T. GRCh37 (hg19) VCF-style: chr1-197073979-C-T.
Other names: c.4066-8685G>A (NM_001206846.2); short protein forms A1468T.
Identifiers: ClinVar variation 166701 (VCV000166701.16), dbSNP rs189918817, ClinGen allele CA233488.

ClinVar aggregate classification (germline): Uncertain significance. Review status: criteria provided, multiple submitters, no conflicts (2 of 4 stars). 7 submissions from 7 submitters: Uncertain significance (7). Last evaluated 2023-10-10.

Conditions:
Inborn genetic diseases. Identifiers: MedGen C0950123, MeSH D030342.
Microcephaly 5, primary, autosomal recessive (MCPH5). Also called: ASPM Primary Microcephaly. Identifiers: Orphanet 2512, MedGen C1837501, MONDO:0012106, OMIM 608716.

Allele frequency attached by ClinVar (database versions not stated): 1000 Genomes Project 30x 0.00016; gnomAD exomes 0.00044 and 0.00020; gnomAD 0.00016 and 0.00017; ESP Exome Variant Server 0.00023; 1000 Genomes Project 0.00020; TOPMed 0.00020; ExAC 0.00013.
gnomAD v4.1: 674 of 1,598,394 alleles (0.042%); highest among the groups gnomAD compares: Non-Finnish European, 0.052%; no homozygotes.

Submissions (7):

Ambry Genetics
Classification: Uncertain significance for Inborn genetic diseases. Last evaluated: 2023-10-10. Review status: criteria provided, single submitter. Criteria: Ambry Variant Classification Scheme 2023. Collection method: clinical testing. Allele origin: germline.

Genome-Nilou Lab
Classification: Uncertain significance for Microcephaly 5, primary, autosomal recessive. Last evaluated: 2023-04-11. Review status: criteria provided, single submitter. Criteria: ACMG Guidelines, 2015. Collection method: clinical testing. Allele origin: germline. Affected: no.

Labcorp Genetics (formerly Invitae), Labcorp
Classification: Uncertain significance. Last evaluated: 2022-07-07. Review status: criteria provided, single submitter. Criteria: Invitae Variant Classification Sherloc (09022015). Collection method: clinical testing. Allele origin: germline.
Comment: This sequence change replaces alanine, which is neutral and non-polar, with threonine, which is neutral and polar, at codon 1468 of the ASPM protein (p.Ala1468Thr). This variant is present in population databases (rs189918817, gnomAD 0.03%). This variant has not been reported in the literature in individuals affected with ASPM-related conditions. ClinVar contains an entry for this variant (Variation ID: 166701). Algorithms developed to predict the effect of missense changes on protein structure and function are either unavailable or do not agree on the potential impact of this missense change (SIFT: "Deleterious"; PolyPhen-2: "Probably Damaging"; Align-GVGD: "Class C0"). In summary, the available evidence is currently insufficient to determine the role of this variant in disease. Therefore, it has been classified as a Variant of Uncertain Significance.

Genetic Services Laboratory, University of Chicago
Classification: Uncertain significance. Last evaluated: 2019-06-19. Review status: criteria provided, single submitter. Criteria: ACMG Guidelines, 2015. Collection method: clinical testing. Allele origin: germline. Affected: no.

Illumina Laboratory Services, Illumina
Classification: Uncertain significance for Microcephaly 5, primary, autosomal recessive. Last evaluated: 2018-01-13. Review status: criteria provided, single submitter. Criteria: ICSL Variant Classification Criteria 13 December 2019. Collection method: clinical testing. Allele origin: germline.

GeneDx
Classification: Uncertain significance. Last evaluated: 2017-02-09. Review status: criteria provided, single submitter. Criteria: GeneDx Variant Classification (06012015). Collection method: clinical testing. Allele origin: germline. Affected: yes.
Comment: A variant of uncertain significance has been identified in the ASPM gene. The A1468T variant has not been published as a pathogenic variant, nor has it been reported as a benign variant to our knowledge. The A1468T variant is not observed at a significant frequency in large population cohorts (Lek et al., 2016; 1000 Genomes Consortium et al., 2015; Exome Variant Server). The A1468T variant is a non-conservative amino acid substitution, which is likely to impact secondary protein structure as these residues differ in polarity, charge, size and/or other properties. This substitution occurs at a position that is conserved across species. In silico analysis is inconsistent in its predictions as to whether or not the variant is damaging to the protein structure/function. Based on the currently available information, it is unclear whether this variant is a pathogenic variant or a rare benign variant.

Eurofins Ntd Llc (ga)
Classification: Uncertain significance. Last evaluated: 2014-03-12. Review status: criteria provided, single submitter. Criteria: EGL Classification Definitions 2015. Collection method: clinical testing. Allele origin: germline. Observed: 1 variant allele, 1 heterozygote.